The following is an entry in ClinVar:

ClinVar aggregate classification (germline): Uncertain significance (1 of 4 stars; one submission).

Conditions:
Hypercholesterolemia, autosomal dominant, 3 (FHCL3). Also called: Familial Hypercholesterolemia, Autosomal Dominant, 3; PCSK9-Related Familial Hypercholesterolemia, Autosomal Dominant; Familial hypercholesterolemia 3. Identifiers: MedGen C1863551, MONDO:0011369, OMIM 603776.

gnomAD v4.1: 3 of 1,613,360 alleles (0.00019%); highest among the groups gnomAD compares: Non-Finnish European, 0.00025%; no homozygotes.

Submission:

All of Us Research Program, National Institutes of Health
Classification: Uncertain significance for Hypercholesterolemia, autosomal dominant, 3. Last evaluated: 2024-03-05. Review status: criteria provided, single submitter. Criteria: ACMG Guidelines, 2015. Collection method: clinical testing. Allele origin: germline. Inheritance: Autosomal dominant inheritance. Observed: 2 variant alleles, 2 heterozygotes.
Comment: This missense variant replaces threonine with isoleucine at codon 437 of the PCSK9 protein. Computational prediction is inconclusive regarding the impact of this variant on protein structure and function (internally defined REVEL score threshold 0.5 < inconclusive < 0.7, PMID: 27666373). To our knowledge, functional studies have not been reported for this variant. This variant has not been reported in individuals affected with PCSK9-related disorders in the literature. This variant has not been identified in the general population by the Genome Aggregation Database (gnomAD). The available evidence is insufficient to determine the role of this variant in disease conclusively. Therefore, this variant is classified as a Variant of Uncertain Significance.

This study involves interpretation of variants in research participants for the purpose of population health screening. Participant phenotype was not available at the time of variant classification. Additional details can be found in publication PMID: 35346344, PMCID: PMC8962531

NM_174936.4(PCSK9):c.1310C>T (p.Thr437Ile)

Gene: PCSK9 (proprotein convertase subtilisin/kexin type 9; plus strand). Cytogenetic location: 1p32.3.
Variant type: single nucleotide variant.
Coding change: c.1310C>T on transcript NM_174936.4 (MANE Select); coding-DNA position 1310, C replaced by T.
Protein change: p.Thr437Ile; replaces threonine 437 with isoleucine.
Molecular consequence: missense variant. On other transcripts: non-coding transcript variant (5), intron variant (2).
Genome position (GRCh38, 1-based): chr1:55,058,165, C>T. VCF-style: chr1-55058165-C-T. GRCh37 (hg19) VCF-style: chr1-55523838-C-T.
Other names: c.1433C>T, p.Thr478Ile (NM_001407240.1); c.1310C>T, p.Thr437Ile (NM_001407241.1); c.1313C>T, p.Thr438Ile (NM_001407242.1); c.1253C>T, p.Thr418Ile (NM_001407243.1); c.1118C>T, p.Thr373Ile (NM_001407245.1); c.935C>T, p.Thr312Ile (NM_001407246.1); c.1181-334C>T (NM_001407244.1); c.1180+651C>T (NM_001407247.1); short protein forms T312I, T373I, T418I, T437I, T438I, T478I.
Identifiers: ClinVar variation 3073470 (VCV003073470.2), dbSNP rs746134573, ClinGen allele CA340477498.